The following is an entry in ClinVar:

NM_170606.3(KMT2C):c.3689A>T (p.Asp1230Val)

Gene: KMT2C (lysine methyltransferase 2C; minus strand). Cytogenetic location: 7q36.1.
Variant type: single nucleotide variant.
Coding change: c.3689A>T on transcript NM_170606.3 (MANE Select); coding-DNA position 3689, A replaced by T.
Protein change: p.Asp1230Val; replaces aspartic acid 1230 with valine.
Molecular consequence: missense variant.
Genome position (GRCh38, 1-based): chr7:152,220,546, T>A on the plus strand (A>T on the coding strand, the complement: KMT2C is on the minus strand). VCF-style: chr7-152220546-T-A. GRCh37 (hg19) VCF-style: chr7-151917631-T-A.
Other names: short protein forms D1230V.
Identifiers: ClinVar variation 3360248 (VCV003360248.1).

ClinVar aggregate classification (germline): Uncertain significance (1 of 4 stars; one submission).

Submission:

GeneDx
Classification: Uncertain significance. Last evaluated: 2023-06-29. Review status: criteria provided, single submitter. Criteria: GeneDx Variant Classification Process June 2021. Collection method: clinical testing. Allele origin: germline. Affected: yes.
Comment: Not observed at significant frequency in large population cohorts (gnomAD); In silico analysis supports that this missense variant has a deleterious effect on protein structure/function; Has not been previously published as pathogenic or benign to our knowledge